The following is an entry in ClinVar:

NM_003835.4(RGS9):c.290A>T (p.Asp97Val)

Gene: RGS9 (regulator of G protein signaling 9; plus strand). Cytogenetic location: 17q24.1.
Variant type: single nucleotide variant.
Coding change: c.290A>T on transcript NM_003835.4 (MANE Select); coding-DNA position 290, A replaced by T.
Protein change: p.Asp97Val; replaces aspartic acid 97 with valine.
Molecular consequence: missense variant.
Genome position (GRCh38, 1-based): chr17:65,160,317, A>T. VCF-style: chr17-65160317-A-T. GRCh37 (hg19) VCF-style: chr17-63156435-A-T.
Other names: c.290A>T, p.Asp97Val (NM_001081955.3, NM_001165933.2); short protein forms D97V.
Identifiers: ClinVar variation 2000747 (VCV002000747.5), dbSNP rs1192174964, ClinGen allele CA400664464.

ClinVar aggregate classification (germline): Uncertain significance. Review status: criteria provided, multiple submitters, no conflicts (2 of 4 stars). 2 submissions from 2 submitters: Uncertain significance (2). Last evaluated 2025-04-28.

Allele frequency attached by ClinVar (database versions not stated): gnomAD exomes below 0.00001.
gnomAD v4.1: 2 of 1,613,976 alleles (0.00012%); highest among the groups gnomAD compares: Non-Finnish European, 0.00017%; no homozygotes.

Submissions (2):

Labcorp Genetics (formerly Invitae), Labcorp
Classification: Uncertain significance. Last evaluated: 2025-04-28. Review status: criteria provided, single submitter. Criteria: Invitae Variant Classification Sherloc (09022015). Collection method: clinical testing. Allele origin: germline.
Comment: This sequence change replaces aspartic acid, which is acidic and polar, with valine, which is neutral and non-polar, at codon 97 of the RGS9 protein (p.Asp97Val). This variant is present in population databases (no rsID available, gnomAD 0.0009%). This variant has not been reported in the literature in individuals affected with RGS9-related conditions. ClinVar contains an entry for this variant (Variation ID: 2000747). Invitae Evidence Modeling of protein sequence and biophysical properties (such as structural, functional, and spatial information, amino acid conservation, physicochemical variation, residue mobility, and thermodynamic stability) indicates that this missense variant is not expected to disrupt RGS9 protein function with a negative predictive value of 80%. In summary, the available evidence is currently insufficient to determine the role of this variant in disease. Therefore, it has been classified as a Variant of Uncertain Significance.

Blueprint Genetics
Classification: Uncertain significance. Last evaluated: 2023-04-20. Review status: criteria provided, single submitter. Criteria: ACMG Guidelines, 2015. Collection method: clinical testing. Allele origin: germline.